The following is an entry in ClinVar:

ClinVar aggregate classification (germline): Pathogenic. Review status: reviewed by expert panel (3 of 4 stars). 2 submissions from 2 submitters: Pathogenic (1). 1 of the submissions does not count toward it. Last evaluated 2016-10-18.

Conditions:
Breast-ovarian cancer, familial, susceptibility to, 2 (BROVCA2). Also called: BRCA2 Hereditary Breast and Ovarian Cancer. Identifiers: Orphanet 145, MedGen C2675520, MONDO:0012933, OMIM 612555. Disease mechanism: loss of function.

Submissions (2):

Evidence-based Network for the Interpretation of Germline Mutant Alleles (ENIGMA)
Classification: Pathogenic for Breast-ovarian cancer, familial, susceptibility to, 2. Last evaluated: 2016-10-18. Review status: reviewed by expert panel. Criteria: ENIGMA BRCA1/2 Classification Criteria (2015). Collection method: curation. Allele origin: germline.
Comment: Variant allele predicted to encode a truncated non-functional protein.

Consortium of Investigators of Modifiers of BRCA1/2 (CIMBA), c/o University of Cambridge
Classification: Pathogenic for Breast-ovarian cancer, familial, susceptibility to, 2. Last evaluated: 2015-10-02. Review status: criteria provided, single submitter. Criteria: CIMBA Mutation Classification guidelines May 2016. Collection method: clinical testing. Allele origin: germline. Not counted in ClinVar's aggregate classification.

NM_000059.4(BRCA2):c.3492dup (p.His1165fs)

Gene: BRCA2 (BRCA2 DNA repair associated; plus strand). Cytogenetic location: 13q13.1.
Variant type: Duplication.
Coding change: c.3492dup on transcript NM_000059.4 (MANE Select); coding-DNA position 3492, one base duplicated (T; older notation c.3492dupT).
Protein change: p.His1165fs; shifts the reading frame from histidine 1165.
Molecular consequence: frameshift variant.
Genome position (GRCh38, 1-based): chr13:32,337,847, T duplicated; the last of 2 consecutive T bases (chr13:32,337,846-32,337,847); duplicating either gives the same sequence. VCF-style (leftmost placement, unchanged base first): chr13-32337845-C-CT. GRCh37 (hg19) VCF-style: chr13-32911982-C-CT.
Other names: 3720insT; short protein forms H1165fs.
Identifiers: ClinVar variation 266753 (VCV000266753.5), dbSNP rs886040477, ClinGen allele CA10589205.